The following is an entry in ClinVar:

NM_032730.5(RTN4IP1):c.1026T>C (p.Phe342=)

Gene: RTN4IP1 (reticulon 4 interacting protein 1; minus strand). Cytogenetic location: 6q21.
Variant type: single nucleotide variant.
Coding change: c.1026T>C on transcript NM_032730.5 (MANE Select); coding-DNA position 1026, T replaced by C.
Protein change: p.Phe342=; no amino-acid change (phenylalanine 342 retained).
Molecular consequence: synonymous variant.
Genome position (GRCh38, 1-based): chr6:106,583,385, A>G on the plus strand (T>C on the coding strand, the complement: RTN4IP1 is on the minus strand). VCF-style: chr6-106583385-A-G. GRCh37 (hg19) VCF-style: chr6-107031260-A-G.
Other names: c.726T>C, p.Phe242= (NM_001318746.1).
Identifiers: ClinVar variation 5041715 (VCV005041715.1).

ClinVar aggregate classification (germline): Likely benign (1 of 4 stars; one submission).

gnomAD v4.1: 1 of 1,613,758 alleles (0.000062%); highest among the groups gnomAD compares: Admixed American, 0.0017%; no homozygotes.

Submission:

CeGaT Center for Human Genetics Tuebingen
Classification: Likely benign. Last evaluated: 2026-09-01. Review status: criteria provided, single submitter. Criteria: CeGaT Center For Human Genetics Tuebingen Variant Classification Criteria Version 2. Collection method: clinical testing. Allele origin: germline. Affected: yes. Observed: 1 variant allele.
Comment: RTN4IP1: BP4, BP7